The following is an entry in ClinVar:

ClinVar aggregate classification (germline): Uncertain significance. Review status: criteria provided, multiple submitters, no conflicts (2 of 4 stars). 2 submissions from 2 submitters: Uncertain significance (2). Last evaluated 2026-06-09.

Conditions:
Cystic fibrosis (CF). Also called: MUCOVISCIDOSIS. Identifiers: Orphanet 586, MedGen C0010674, MONDO:0009061, OMIM 219700. Disease mechanism: loss of function.
CFTR-related disorder (CFTR-RD). Also called: CFTR-related disorders; CFTR-related condition. Identifiers: MedGen C5924204, MONDO:7770004.

Submissions (2):

PreventionGenetics, part of Exact Sciences
Classification: Uncertain significance for CFTR-related condition. Last evaluated: 2026-06-09. Review status: criteria provided, single submitter. Criteria: ACMG Guidelines, 2015. Collection method: clinical testing. Allele origin: germline.
Comment: The CFTR c.866G>C variant is predicted to result in the amino acid substitution p.Arg289Thr. To our knowledge, this variant has not been reported in the literature or in a large population database (gnomAD), indicating this variant is rare. At this time, the clinical significance of this variant is uncertain due to the absence of conclusive functional and genetic evidence.

Ambry Genetics
Classification: Uncertain significance for Cystic fibrosis. Last evaluated: 2026-03-27. Review status: criteria provided, single submitter. Criteria: Ambry Variant Classification Scheme 2023. Collection method: clinical testing. Allele origin: germline.
Comment: The p.R289T variant (also known as c.866G>C), located in coding exon 7 of the CFTR gene, results from a G to C substitution at nucleotide position 866. The arginine at codon 289 is replaced by threonine, an amino acid with similar properties. This amino acid position is conserved. In addition, this alteration is predicted to be deleterious by in silico analysis. Based on the available evidence, the clinical significance of this variant remains unclear.

NM_000492.4(CFTR):c.866G>C (p.Arg289Thr)

Gene: CFTR (CF transmembrane conductance regulator; plus strand). Cytogenetic location: 7q31.2.
Variant type: single nucleotide variant.
Coding change: c.866G>C on transcript NM_000492.4 (MANE Select); coding-DNA position 866, G replaced by C.
Protein change: p.Arg289Thr; replaces arginine 289 with threonine.
Molecular consequence: missense variant.
Genome position (GRCh38, 1-based): chr7:117,536,670, G>C. VCF-style: chr7-117536670-G-C. GRCh37 (hg19) VCF-style: chr7-117176724-G-C.
Other names: short protein forms R289T.
Identifiers: ClinVar variation 3356304 (VCV003356304.3).